The following is an entry in ClinVar:

NM_000297.4(PKD2):c.1646A>G (p.Glu549Gly)

Gene: PKD2 (polycystin 2, transient receptor potential cation channel; plus strand). Cytogenetic location: 4q22.1.
Variant type: single nucleotide variant.
Coding change: c.1646A>G on transcript NM_000297.4 (MANE Select); coding-DNA position 1646, A replaced by G.
Protein change: p.Glu549Gly; replaces glutamic acid 549 with glycine.
Molecular consequence: missense variant. On other transcripts: non-coding transcript variant (1).
Genome position (GRCh38, 1-based): chr4:88,052,088, A>G. VCF-style: chr4-88052088-A-G. GRCh37 (hg19) VCF-style: chr4-88973240-A-G.
Other names: short protein forms E549G.
Identifiers: ClinVar variation 2729568 (VCV002729568.3), dbSNP rs1279048732, ClinGen allele CA357621982.

ClinVar aggregate classification (germline): Uncertain significance (1 of 4 stars; one submission).

Conditions:
Autosomal dominant polycystic kidney disease. Identifiers: Orphanet 730, MedGen C0085413, MONDO:0004691.

Allele frequency attached by ClinVar (database versions not stated): gnomAD exomes below 0.00001; TOPMed below 0.00001; gnomAD 0.00001.
gnomAD v4.1: 3 of 1,607,038 alleles (0.00019%); highest among the groups gnomAD compares: African/African-American, 0.0013%; no homozygotes.

Submission:

Labcorp Genetics (formerly Invitae), Labcorp
Classification: Uncertain significance for Autosomal dominant polycystic kidney disease. Last evaluated: 2026-01-23. Review status: criteria provided, single submitter. Criteria: Invitae Variant Classification Sherloc (09022015). Collection method: clinical testing. Allele origin: germline.
Comment: This sequence change replaces glutamic acid, which is acidic and polar, with glycine, which is neutral and non-polar, at codon 549 of the PKD2 protein (p.Glu549Gly). This variant is present in population databases (no rsID available, gnomAD 0.007%). This variant has not been reported in the literature in individuals affected with PKD2-related conditions. ClinVar contains an entry for this variant (Variation ID: 2729568). Invitae Evidence Modeling of protein sequence and biophysical properties (such as structural, functional, and spatial information, amino acid conservation, physicochemical variation, residue mobility, and thermodynamic stability) indicates that this missense variant is not expected to disrupt PKD2 protein function with a negative predictive value of 80%. In summary, the available evidence is currently insufficient to determine the role of this variant in disease. Therefore, it has been classified as a Variant of Uncertain Significance.